The following is an entry in ClinVar:

NM_003922.4(HERC1):c.5325C>T (p.Ser1775=)

Gene: HERC1 (HECT and RLD domain containing E3 ubiquitin protein ligase family member 1; minus strand). Cytogenetic location: 15q22.31.
Variant type: single nucleotide variant.
Coding change: c.5325C>T on transcript NM_003922.4 (MANE Select); coding-DNA position 5325, C replaced by T.
Protein change: p.Ser1775=; no amino-acid change (serine 1775 retained).
Molecular consequence: synonymous variant.
Genome position (GRCh38, 1-based): chr15:63,694,467, G>A on the plus strand (C>T on the coding strand, the complement: HERC1 is on the minus strand). VCF-style: chr15-63694467-G-A. GRCh37 (hg19) VCF-style: chr15-63986666-G-A.
Identifiers: ClinVar variation 718569 (VCV000718569.15), dbSNP rs147588494, ClinGen allele CA7605561.
Genomic context (GRCh38, chr15:63,694,467, plus strand): 5'-GGGCTGTCCTAGCATGGTGTCTGTACCACACAACTGTGACAATACGTTTAGCAGACCAGT[G>A]GAAATTGCCAAAGAAACATCTACTGGTTGATAATGAACACTTAGGGCAAAAACTGTAACC-3'
Protein context (NP_003913.3, residues 1765-1785): YQPVDVSLAI[Ser1775=]TGLLNVLSQL

ClinVar aggregate classification (germline): Likely benign. Review status: criteria provided, multiple submitters, no conflicts (2 of 4 stars). 2 submissions from 2 submitters: Likely benign (2). Last evaluated 2026-08-01.

Allele frequency attached by ClinVar (database versions not stated): ExAC 0.00029; gnomAD 0.00029 and 0.00028; TOPMed 0.00031; 1000 Genomes Project 0.00040; 1000 Genomes Project 30x 0.00047; gnomAD exomes 0.00025 and 0.00055; ESP Exome Variant Server 0.00058.
gnomAD v4.1: 841 of 1,613,950 alleles (0.052%); highest among the groups gnomAD compares: Non-Finnish European, 0.067%; 1 homozygote.

Submissions (2):

CeGaT Center for Human Genetics Tuebingen
Classification: Likely benign. Last evaluated: 2026-08-01. Review status: criteria provided, single submitter. Criteria: CeGaT Center For Human Genetics Tuebingen Variant Classification Criteria Version 2. Collection method: clinical testing. Allele origin: germline. Affected: yes. Observed: 2 variant alleles.
Comment: HERC1: BP4, BP7

Labcorp Genetics (formerly Invitae), Labcorp
Classification: Likely benign. Last evaluated: 2023-12-12. Review status: criteria provided, single submitter. Criteria: Invitae Variant Classification Sherloc (09022015). Collection method: clinical testing. Allele origin: germline.